The following is an entry in ClinVar:

NM_000374.5(UROD):c.994C>T (p.Arg332Cys)

Gene: UROD (uroporphyrinogen decarboxylase; plus strand). Cytogenetic location: 1p34.1.
Variant type: single nucleotide variant.
Coding change: c.994C>T on transcript NM_000374.5 (MANE Select); coding-DNA position 994, C replaced by T.
Protein change: p.Arg332Cys; replaces arginine 332 with cysteine.
Molecular consequence: missense variant. On other transcripts: non-coding transcript variant (3).
Genome position (GRCh38, 1-based): chr1:45,015,388, C>T. VCF-style: chr1-45015388-C-T. GRCh37 (hg19) VCF-style: chr1-45481060-C-T.
Other names: p.Arg332Cys; short protein forms R332C.
Identifiers: ClinVar variation 2967985 (VCV002967985.4), dbSNP rs749879899, ClinGen allele CA825406.
Genomic context (GRCh38, chr1:45,015,388, plus strand): 5'-GTCCCCCAGGAGGAGATCGGGCAGTTGGTGAAGCAGATGCTGGATGACTTTGGACCACAT[C>T]GCTACATTGCCAACCTGGGCCATGGGCTTTATCCTGACATGGACCCAGAACATGTGGGCG-3'
Protein context (NP_000365.3, residues 322-342): KQMLDDFGPH[Arg332Cys]YIANLGHGLY

ClinVar aggregate classification (germline): Uncertain significance. Review status: criteria provided, multiple submitters, no conflicts (2 of 4 stars). 2 submissions from 2 submitters: Uncertain significance (2). Last evaluated 2025-04-14.

Allele frequency attached by ClinVar (database versions not stated): gnomAD 0.00002; ExAC 0.00001.
gnomAD v4.1: 63 of 1,614,048 alleles (0.0039%); highest among the groups gnomAD compares: Admixed American, 0.0067%; no homozygotes.

Submissions (2):

Labcorp Genetics (formerly Invitae), Labcorp
Classification: Uncertain significance. Last evaluated: 2025-04-14. Review status: criteria provided, single submitter. Criteria: Invitae Variant Classification Sherloc (09022015). Collection method: clinical testing. Allele origin: germline.
Comment: This sequence change replaces arginine, which is basic and polar, with cysteine, which is neutral and slightly polar, at codon 332 of the UROD protein (p.Arg332Cys). This variant is present in population databases (rs749879899, gnomAD 0.01%). This missense change has been observed in individual(s) with porphyria cutanea tarda (PMID: 30514647). ClinVar contains an entry for this variant (Variation ID: 2967985). Invitae Evidence Modeling of protein sequence and biophysical properties (such as structural, functional, and spatial information, amino acid conservation, physicochemical variation, residue mobility, and thermodynamic stability) indicates that this missense variant is not expected to disrupt UROD protein function with a negative predictive value of 80%. Algorithms developed to predict the effect of sequence changes on RNA splicing suggest that this variant may disrupt the consensus splice site. In summary, the available evidence is currently insufficient to determine the role of this variant in disease. Therefore, it has been classified as a Variant of Uncertain Significance.

Mayo Clinic Laboratories, Mayo Clinic
Classification: Uncertain significance. Last evaluated: 2023-08-15. Review status: criteria provided, single submitter. Criteria: ACMG Guidelines, 2015. Collection method: clinical testing. Allele origin: germline. Observed: 1 variant allele.
Comment: PP4, PM2_moderate

Literature cited by the submitters: PubMed 30514647 (cited by Labcorp Genetics (formerly Invitae), Labcorp and Mayo Clinic Laboratories, Mayo Clinic); PubMed 31694554 (cited by Mayo Clinic Laboratories, Mayo Clinic).